The following is an entry in ClinVar:

ClinVar aggregate classification (germline): Uncertain significance (1 of 4 stars; one submission).

Submission:

GeneDx
Classification: Uncertain significance. Last evaluated: 2024-12-18. Review status: criteria provided, single submitter. Criteria: GeneDx Variant Classification Process June 2021. Collection method: clinical testing. Allele origin: germline. Affected: yes.
Comment: Not observed at significant frequency in large population cohorts (gnomAD); In silico analysis supports that this missense variant has a deleterious effect on protein structure/function; Has not been previously published as pathogenic or benign to our knowledge

NM_014991.6(WDFY3):c.5276T>C (p.Leu1759Pro)

Gene: WDFY3 (WD repeat and FYVE domain containing 3; minus strand). Cytogenetic location: 4q21.23.
Variant type: single nucleotide variant.
Coding change: c.5276T>C on transcript NM_014991.6 (MANE Select); coding-DNA position 5276, T replaced by C.
Protein change: p.Leu1759Pro; replaces leucine 1759 with proline.
Molecular consequence: missense variant.
Genome position (GRCh38, 1-based): chr4:84,757,074, A>G on the plus strand (T>C on the coding strand, the complement: WDFY3 is on the minus strand). VCF-style: chr4-84757074-A-G. GRCh37 (hg19) VCF-style: chr4-85678227-A-G.
Other names: short protein forms L1759P.
Identifiers: ClinVar variation 3906308 (VCV003906308.1).